The following is an entry in ClinVar:

ClinVar aggregate classification (germline): Uncertain significance (1 of 4 stars; one submission).

Conditions:
Pyridoxine-dependent epilepsy (EPEO4). Also called: Pyridoxine-Dependent Epilepsy - ALDH7A1; PYRIDOXINE DEPENDENCY WITH SEIZURES; EPILEPSY, EARLY-ONSET, 4, VITAMIN B6-DEPENDENT; Pyridoxine-Dependent Seizures. Identifiers: Orphanet 3006, MedGen C1849508, MONDO:0009945, OMIM 266100. Disease mechanism: loss of function.

Allele frequency attached by ClinVar (database versions not stated): gnomAD 0.00001; gnomAD exomes below 0.00001.
gnomAD v4.1: 3 of 1,600,822 alleles (0.00019%); highest among the groups gnomAD compares: African/African-American, 0.0014%; no homozygotes.

Submission:

Labcorp Genetics (formerly Invitae), Labcorp
Classification: Uncertain significance for Pyridoxine-dependent epilepsy. Last evaluated: 2022-08-23. Review status: criteria provided, single submitter. Criteria: Invitae Variant Classification Sherloc (09022015). Collection method: clinical testing. Allele origin: germline.
Comment: This sequence change replaces arginine, which is basic and polar, with glutamine, which is neutral and polar, at codon 81 of the ALDH7A1 protein (p.Arg81Gln). This variant is not present in population databases (gnomAD no frequency). This variant has not been reported in the literature in individuals affected with ALDH7A1-related conditions. ClinVar contains an entry for this variant (Variation ID: 1408806). Advanced modeling of protein sequence and biophysical properties (such as structural, functional, and spatial information, amino acid conservation, physicochemical variation, residue mobility, and thermodynamic stability) performed at Invitae indicates that this missense variant is not expected to disrupt ALDH7A1 protein function. In summary, the available evidence is currently insufficient to determine the role of this variant in disease. Therefore, it has been classified as a Variant of Uncertain Significance.

NM_001182.5(ALDH7A1):c.242G>A (p.Arg81Gln)

Gene: ALDH7A1 (aldehyde dehydrogenase 7 family member A1; minus strand). Cytogenetic location: 5q23.2.
Variant type: single nucleotide variant.
Coding change: c.242G>A on transcript NM_001182.5 (MANE Select); coding-DNA position 242, G replaced by A.
Protein change: p.Arg81Gln; replaces arginine 81 with glutamine.
Molecular consequence: missense variant.
Genome position (GRCh38, 1-based): chr5:126,593,355, C>T on the plus strand (G>A on the coding strand, the complement: ALDH7A1 is on the minus strand). VCF-style: chr5-126593355-C-T. GRCh37 (hg19) VCF-style: chr5-125929047-C-T.
Other names: c.158G>A, p.Arg53Gln (NM_001201377.2); c.242G>A, p.Arg81Gln (NM_001202404.2); short protein forms R53Q, R81Q.
Identifiers: ClinVar variation 1408806 (VCV001408806.3), dbSNP rs1751621256, ClinGen allele CA360733233.
Genomic context (GRCh38, chr5:126,593,355, plus strand): 5'-ATAATTTGAATTAAACACACACACACACACACACACACACACACACACACTCTTACCTGT[C>T]GGACTCTTGCTATTGGCTCGTTGTTAGCAGGGCAATAGGTCGTAATAACCTTAAAACAAA-3'
Protein context (NP_001173.2, residues 71-91): PANNEPIARV[Arg81Gln]QASVADYEET